The following is an entry in ClinVar:

ClinVar aggregate classification (germline): Uncertain significance (1 of 4 stars; one submission).

gnomAD v4.1: 1 of 1,251,820 alleles (0.00008%); no homozygotes.

Submission:

Labcorp Genetics (formerly Invitae), Labcorp
Classification: Uncertain significance. Last evaluated: 2025-06-15. Review status: criteria provided, single submitter. Criteria: Invitae Variant Classification Sherloc (09022015). Collection method: clinical testing. Allele origin: germline.
Comment: This sequence change replaces alanine, which is neutral and non-polar, with valine, which is neutral and non-polar, at codon 82 of the LRRK1 protein (p.Ala82Val). This variant is not present in population databases (gnomAD no frequency). This variant has not been reported in the literature in individuals affected with LRRK1-related conditions. An algorithm developed to predict the effect of missense changes on protein structure and function outputs the following: PolyPhen-2: "Benign". The valine amino acid residue is found in multiple mammalian species, which suggests that this missense change does not adversely affect protein function. In summary, the available evidence is currently insufficient to determine the role of this variant in disease. Therefore, it has been classified as a Variant of Uncertain Significance.

NM_024652.6(LRRK1):c.245C>T (p.Ala82Val)

Gene: LRRK1 (leucine rich repeat kinase 1; plus strand). Cytogenetic location: 15q26.3.
Variant type: single nucleotide variant.
Coding change: c.245C>T on transcript NM_024652.6 (MANE Select); coding-DNA position 245, C replaced by T.
Protein change: p.Ala82Val; replaces alanine 82 with valine.
Molecular consequence: missense variant.
Genome position (GRCh38, 1-based): chr15:100,973,951, C>T. VCF-style: chr15-100973951-C-T. GRCh37 (hg19) VCF-style: chr15-101514156-C-T.
Other names: short protein forms A82V.
Identifiers: ClinVar variation 4773969 (VCV004773969.1).